The following is an entry in ClinVar:

ClinVar aggregate classification (germline): Likely benign (0 of 4 stars; one submission).

Conditions:
LMO7-related disorder. Also called: LMO7-related condition.

Submission:

PreventionGenetics, part of Exact Sciences
Classification: Likely benign for LMO7-related condition. Last evaluated: 2024-03-26. Review status: no assertion criteria provided. Collection method: clinical testing. Allele origin: germline.
Comment: This variant is classified as likely benign based on ACMG/AMP sequence variant interpretation guidelines (Richards et al. 2015 PMID: 25741868, with internal and published modifications).

NM_001306080.2(LMO7):c.4771-10del

Gene: LMO7 (LIM domain 7; plus strand). Cytogenetic location: 13q22.2.
Variant type: Deletion.
Coding change: c.4771-10del on transcript NM_001306080.2 (MANE Select); 10 bases into the intron before coding-DNA position 4771, one base deleted (T; older notation c.4771-10delT).
Molecular consequence: intron variant.
Genome position (GRCh38, 1-based): chr13:75,856,496, T deleted; the last of 10 consecutive T bases (chr13:75,856,487-75,856,496); deleting any one gives the same sequence. VCF-style (leftmost placement, unchanged base first): chr13-75856486-CT-C. GRCh37 (hg19) VCF-style: chr13-76430622-CT-C.
Other names: c.3925-10del (NM_005358.5); c.4536-10del (NM_001366633.2); c.4072-10del (NM_001330583.1); c.3963-10del (NM_001366632.2, NM_015842.2); c.3790-10del (NM_001366636.2, NM_001366634.2).
Identifiers: ClinVar variation 3352798 (VCV003352798.1).